The following is an entry in ClinVar:

ClinVar aggregate classification (germline): Pathogenic. Review status: criteria provided, multiple submitters, no conflicts (2 of 4 stars). 5 submissions from 5 submitters: Pathogenic (4). 1 of the submissions does not count toward it. Last evaluated 2024-05-14.

Conditions:
Retinitis pigmentosa 25 (RP25). Identifiers: Orphanet 791, MedGen C1864446, MONDO:0011272, OMIM 602772.

Allele frequency attached by ClinVar (database versions not stated): gnomAD exomes below 0.00001.
gnomAD v4.1: 5 of 1,549,696 alleles (0.00032%); highest among the groups gnomAD compares: Non-Finnish European, 0.00035%; no homozygotes.

Submissions (5):

Myriad Genetics, Inc.
Classification: Pathogenic for Retinitis pigmentosa 25. Last evaluated: 2024-05-14. Review status: criteria provided, single submitter. Criteria: Myriad Autosomal Dominant, Autosomal Recessive and X-Linked Classification Criteria (2023). Collection method: clinical testing. Allele origin: unknown.
Comment: NM_001142800.1(EYS):c.3024C>A(C1008*) is expected to be pathogenic in the context of retinitis pigmentosa, EYS-related. This variant is predicted to lead to an abnormal or absent protein product due to the creation of a premature termination codon in EYS, a gene where loss-of-function variants are known to be pathogenic. Please note: this variant was assessed in the context of healthy population screening.

Labcorp Genetics (formerly Invitae), Labcorp
Classification: Pathogenic. Last evaluated: 2023-02-16. Review status: criteria provided, single submitter. Criteria: Invitae Variant Classification Sherloc (09022015). Collection method: clinical testing. Allele origin: germline.
Comment: For these reasons, this variant has been classified as Pathogenic. ClinVar contains an entry for this variant (Variation ID: 966980). This premature translational stop signal has been observed in individual(s) with retinitis pigmentosa (PMID: 26787102). This variant is not present in population databases (gnomAD no frequency). This sequence change creates a premature translational stop signal (p.Cys1008*) in the EYS gene. It is expected to result in an absent or disrupted protein product. Loss-of-function variants in EYS are known to be pathogenic (PMID: 18836446, 20333770).

Fulgent Genetics
Classification: Pathogenic for Retinitis pigmentosa 25. Last evaluated: 2022-05-04. Review status: criteria provided, single submitter. Criteria: ACMG Guidelines, 2015. Collection method: clinical testing. Allele origin: unknown.

CeGaT Center for Human Genetics Tuebingen
Classification: Pathogenic. Last evaluated: 2020-07-01. Review status: criteria provided, single submitter. Criteria: CeGaT Center For Human Genetics Tuebingen Variant Classification Criteria Version 2. Collection method: clinical testing. Allele origin: germline. Affected: yes. Observed: 1 variant allele.

Natera, Inc.
Classification: Pathogenic for Retinitis pigmentosa type 25. Last evaluated: 2021-03-22. Review status: no assertion criteria provided. Collection method: clinical testing. Allele origin: germline. Not counted in ClinVar's aggregate classification.

Literature cited by the submitters: PubMed 26787102 (cited by Labcorp Genetics (formerly Invitae), Labcorp); PubMed 18836446 (cited by Labcorp Genetics (formerly Invitae), Labcorp); PubMed 20333770 (cited by Labcorp Genetics (formerly Invitae), Labcorp).

NM_001142800.2(EYS):c.3024C>A (p.Cys1008Ter)

Gene: EYS (EGF-like photoreceptor maintenance factor; minus strand). Cytogenetic location: 6q12.
Variant type: single nucleotide variant.
Coding change: c.3024C>A on transcript NM_001142800.2 (MANE Select); coding-DNA position 3024, C replaced by A.
Protein change: p.Cys1008Ter; replaces cysteine 1008 with a stop codon.
Molecular consequence: nonsense.
Genome position (GRCh38, 1-based): chr6:64,822,791, G>T on the plus strand (C>A on the coding strand, the complement: EYS is on the minus strand). VCF-style: chr6-64822791-G-T. GRCh37 (hg19) VCF-style: chr6-65532684-G-T.
Other names: c.3024C>A, p.Cys1008Ter (NM_001292009.2); short protein forms C1008*.
Identifiers: ClinVar variation 966980 (VCV000966980.48), dbSNP rs1764939836, ClinGen allele CA364787971.